The following is an entry in ClinVar:

NM_022455.5(NSD1):c.1207A>T (p.Lys403Ter)

Gene: NSD1 (nuclear receptor binding SET domain protein 1; plus strand). Cytogenetic location: 5q35.3.
Variant type: single nucleotide variant.
Coding change: c.1207A>T on transcript NM_022455.5 (MANE Select); coding-DNA position 1207, A replaced by T.
Protein change: p.Lys403Ter; replaces lysine 403 with a stop codon.
Molecular consequence: nonsense.
Genome position (GRCh38, 1-based): chr5:177,204,263, A>T. VCF-style: chr5-177204263-A-T. GRCh37 (hg19) VCF-style: chr5-176631264-A-T.
Other names: c.334A>T, p.Lys112Ter (NM_001365684.2, NM_001409306.1, NM_001409307.1 and 3 more transcripts); c.1207A>T, p.Lys403Ter (NM_001409301.1, NM_001409302.1, NM_001409303.1); c.787A>T, p.Lys263Ter (NM_001409304.1); c.454A>T, p.Lys152Ter (NM_001409305.1); short protein forms K112*, K134*, K152*, K263*, K403*.
Identifiers: ClinVar variation 1709180 (VCV001709180.3), dbSNP rs1762715257, ClinGen allele CA362305122.

ClinVar aggregate classification (germline): Likely pathogenic (1 of 4 stars; one submission).

Conditions:
Sotos syndrome (SOTOS). Also called: Sotos' syndrome; Distinctive facial appearance, overgrowth in childhood, and learning disabilities or delayed development; CHROMOSOME 5q35 DELETION SYNDROME; CEREBRAL GIGANTISM; SOTOS SYNDROME 1. Identifiers: Orphanet 821, MedGen C0175695, MONDO:0019349, OMIM 117550.

Submission:

MGZ Medical Genetics Center
Classification: Likely pathogenic for Sotos syndrome. Last evaluated: 2022-02-07. Review status: criteria provided, single submitter. Criteria: ACMG Guidelines, 2015. Collection method: clinical testing. Allele origin: germline. Affected: yes. Observed: 1 variant allele.
Comment: ACMG criteria applied: PVS1, PM2_SUP